The following is an entry in ClinVar:

NM_000535.7(PMS2):c.1024del (p.Gln342fs)

Gene: PMS2 (PMS1 homolog 2, mismatch repair system component; minus strand). Cytogenetic location: 7p22.1.
Variant type: Deletion.
Coding change: c.1024del on transcript NM_000535.7 (MANE Select); coding-DNA position 1024, one base deleted (C; older notation c.1024delC).
Protein change: p.Gln342fs; shifts the reading frame from glutamine 342.
Molecular consequence: frameshift variant. On other transcripts: non-coding transcript variant (1), intron variant (2).
Genome position (GRCh38, 1-based): chr7:5,989,920, G deleted on the plus strand (C on the coding strand, the reverse complement: PMS2 is on the minus strand). VCF-style (leftmost placement, unchanged base first): chr7-5989919-TG-T. GRCh37 (hg19) VCF-style: chr7-6029550-TG-T.
Other names: c.619delC, p.Gln207Lysfs (NM_001018040.1, NM_001406887.1, NM_001406888.1 and 13 more transcripts); c.619del, p.Gln207fs (NM_001322003.2, NM_001322004.2, NM_001322005.2 and 1 more transcripts); c.706del, p.Gln236fs (NM_001322007.2, NM_001322008.2); c.91del, p.Gln31fs (NM_001322011.2, NM_001322012.2); c.451del, p.Gln151fs (NM_001322013.2); c.1024del, p.Gln342fs (NM_001322014.2); c.715del, p.Gln239fs (NM_001322015.2); c.1210delC, p.Gln404Lysfs (NM_001406866.1); and 14 more; short protein forms Q342fs, Q239fs, Q151fs, Q236fs, Q31fs, Q207fs.
Identifiers: ClinVar variation 1769100 (VCV001769100.2), dbSNP rs2535936923, ClinGen allele CA2580076756.
Genomic context (GRCh38, chr7:5,989,919, plus strand): 5'-ATTCCTATCAAAGAGGTCTTTAAAACTGCCAACAAAAGCTTTTCCTCTTGTAGCAAAATT[TG>T]CCTTTTATCTGGAGTAACATTGATATCAACGCATTCTAAGGCAAAAAAGAAAACATATTT-3'

ClinVar aggregate classification (germline): Pathogenic (1 of 4 stars; one submission).

Conditions:
Hereditary cancer-predisposing syndrome. Also called: Hereditary Cancer Syndrome; Hereditary neoplastic syndrome; Neoplastic Syndromes, Hereditary; Tumor predisposition. Identifiers: Orphanet 140162, MedGen C0027672, MeSH D009386, MONDO:0015356.

Submission:

Ambry Genetics
Classification: Pathogenic for Hereditary cancer-predisposing syndrome. Last evaluated: 2019-07-16. Review status: criteria provided, single submitter. Criteria: Ambry Variant Classification Scheme 2023. Collection method: clinical testing. Allele origin: germline.
Comment: The c.1024delC pathogenic mutation, located in coding exon 10 of the PMS2 gene, results from a deletion of one nucleotide at nucleotide position 1024, causing a translational frameshift with a predicted alternate stop codon (p.Q342Kfs*14). This alteration is expected to result in loss of function by premature protein truncation or nonsense-mediated mRNA decay. As such, this alteration is interpreted as a disease-causing mutation.